The following is an entry in ClinVar:

ClinVar aggregate classification (germline): Uncertain significance (1 of 4 stars; one submission).

Allele frequency attached by ClinVar (database versions not stated): gnomAD exomes 0.00027; TOPMed 0.00029; gnomAD 0.00030 and 0.00032; ESP Exome Variant Server 0.00038; ExAC 0.00039.
gnomAD v4.1: 402 of 1,602,902 alleles (0.025%); highest among the groups gnomAD compares: Non-Finnish European, 0.032%; no homozygotes.

Submissions (4):

Labcorp Genetics (formerly Invitae), Labcorp
Classification: Uncertain significance. Last evaluated: 2025-11-06. Review status: criteria provided, single submitter. Criteria: Invitae Variant Classification Sherloc (09022015). Collection method: clinical testing. Allele origin: germline.
Comment: This sequence change replaces alanine, which is neutral and non-polar, with valine, which is neutral and non-polar, at codon 707 of the CEP89 protein (p.Ala707Val). This variant is present in population databases (rs145013119, gnomAD 0.05%), and has an allele count higher than expected for a pathogenic variant. This variant has not been reported in the literature in individuals affected with CEP89-related conditions. ClinVar contains an entry for this variant (Variation ID: 1380861). An algorithm developed to predict the effect of missense changes on protein structure and function outputs the following: PolyPhen-2: "Benign". The valine amino acid residue is found in multiple mammalian species, which suggests that this missense change does not adversely affect protein function. In summary, the available evidence is currently insufficient to determine the role of this variant in disease. Therefore, it has been classified as a Variant of Uncertain Significance.

Dr. Peter K. Rogan Lab, Western University
No classification provided (evidence only). Condition: Colon adenocarcinoma. Review status: no classification provided. Collection method: in vitro. Allele origin: not applicable. Functional consequence: retained intron. Not counted in ClinVar's aggregate classification.

Dr. Peter K. Rogan Lab, Western University
No classification provided (evidence only). Condition: Hepatocellular carcinoma. Review status: no classification provided. Collection method: in vitro. Allele origin: not applicable. Functional consequence: retained intron. Not counted in ClinVar's aggregate classification.

Dr. Peter K. Rogan Lab, Western University
No classification provided (evidence only). Condition: Malignant tumor of esophagus. Review status: no classification provided. Collection method: in vitro. Allele origin: not applicable. Functional consequence: retained intron. Not counted in ClinVar's aggregate classification.

NM_032816.5(CEP89):c.2120C>T (p.Ala707Val)

Gene: CEP89 (centrosomal protein 89; minus strand). Cytogenetic location: 19q13.11.
Variant type: single nucleotide variant.
Coding change: c.2120C>T on transcript NM_032816.5 (MANE Select); coding-DNA position 2120, C replaced by T.
Protein change: p.Ala707Val; replaces alanine 707 with valine.
Molecular consequence: missense variant.
Genome position (GRCh38, 1-based): chr19:32,881,859, G>A on the plus strand (C>T on the coding strand, the complement: CEP89 is on the minus strand). VCF-style: chr19-32881859-G-A. GRCh37 (hg19) VCF-style: chr19-33372765-G-A.
Other names: short protein forms A707V.
Identifiers: ClinVar variation 1380861 (VCV001380861.7), dbSNP rs145013119, ClinGen allele CA9359085.
Genomic context (GRCh38, chr19:32,881,859, plus strand): 5'-CATTCAGACATCTCTGCGGGCCATGGCGCAGGGCGCATGCCCCACCTGTTCTGCTGCAGC[G>A]CCTGGTCCAGCACCTCCTGCTTGTCCTTCAGCACCTGGTGCAGGTGCCGCATCTCCTGCC-3'
Protein context (NP_116205.3, residues 697-717): LKDKQEVLDQ[Ala707Val]LQQNREMEGE